The following is an entry in ClinVar:

ClinVar aggregate classification (germline): Uncertain significance (1 of 4 stars; one submission).

Conditions:
Spastic paraplegia. Identifiers: MedGen C0037772, HP:0001258.

Allele frequency attached by ClinVar (database versions not stated): gnomAD exomes below 0.00001.

Submission:

Labcorp Genetics (formerly Invitae), Labcorp
Classification: Uncertain significance for Spastic paraplegia. Last evaluated: 2022-06-01. Review status: criteria provided, single submitter. Criteria: Invitae Variant Classification Sherloc (09022015). Collection method: clinical testing. Allele origin: germline.
Comment: In summary, the available evidence is currently insufficient to determine the role of this variant in disease. Therefore, it has been classified as a Variant of Uncertain Significance. Algorithms developed to predict the effect of missense changes on protein structure and function are either unavailable or do not agree on the potential impact of this missense change (SIFT: "Deleterious"; PolyPhen-2: "Benign"; Align-GVGD: "Class C0"). This variant has not been reported in the literature in individuals affected with B4GALNT1-related conditions. This variant is not present in population databases (gnomAD no frequency). This sequence change replaces arginine, which is basic and polar, with cysteine, which is neutral and slightly polar, at codon 47 of the B4GALNT1 protein (p.Arg47Cys).

NM_001478.5(B4GALNT1):c.139C>T (p.Arg47Cys)

Gene: B4GALNT1 (beta-1,4-N-acetyl-galactosaminyltransferase 1; minus strand). Cytogenetic location: 12q13.3.
Variant type: single nucleotide variant.
Coding change: c.139C>T on transcript NM_001478.5 (MANE Select); coding-DNA position 139, C replaced by T.
Protein change: p.Arg47Cys; replaces arginine 47 with cysteine.
Molecular consequence: missense variant.
Genome position (GRCh38, 1-based): chr12:57,631,994, G>A on the plus strand (C>T on the coding strand, the complement: B4GALNT1 is on the minus strand). VCF-style: chr12-57631994-G-A. GRCh37 (hg19) VCF-style: chr12-58025777-G-A.
Other names: c.139C>T, p.Arg47Cys (NM_001276468.2, NM_001276469.2, NM_001413967.1 and 11 more transcripts); c.-765C>T (NM_001413981.1, NM_001413982.1, NM_001413983.1 and 1 more transcripts); short protein forms R47C.
Identifiers: ClinVar variation 2001752 (VCV002001752.4), dbSNP rs2540683345, ClinGen allele CA385502809.